The following is an entry in ClinVar:

NM_003995.4(NPR2):c.661G>A (p.Gly221Arg)

Gene: NPR2 (natriuretic peptide receptor 2; plus strand). Cytogenetic location: 9p13.3.
Variant type: single nucleotide variant.
Coding change: c.661G>A on transcript NM_003995.4 (MANE Select); coding-DNA position 661, G replaced by A.
Protein change: p.Gly221Arg; replaces glycine 221 with arginine.
Molecular consequence: missense variant.
Genome position (GRCh38, 1-based): chr9:35,793,069, G>A. VCF-style: chr9-35793069-G-A. GRCh37 (hg19) VCF-style: chr9-35793066-G-A.
Other names: short protein forms G221R.
Identifiers: ClinVar variation 873080 (VCV000873080.12), dbSNP rs1440373349, ClinGen allele CA373365863.

ClinVar aggregate classification (germline): Conflicting classifications of pathogenicity. Review status: criteria provided, conflicting classifications (1 of 4 stars). 3 submissions from 3 submitters: Likely pathogenic (1); Uncertain significance (1). 1 of the submissions does not count toward it. Last evaluated 2023-09-01.

Conditions:
NPR2-related disorder. Also called: NPR2-related condition; NPR2-related disorders.
Acromesomelic dysplasia 1, Maroteaux type (AMD1). Also called: ST. HELENA DYSPLASIA; ACROMESOMELIC DYSPLASIA 1. Identifiers: Orphanet 40, MedGen C1864356, MONDO:0011275, OMIM 602875.
Tall stature-scoliosis-macrodactyly of the great toes syndrome. Also called: Epiphyseal chondrodysplasia, miura type. Identifiers: Orphanet 329191, MedGen C4014690, MONDO:0014401, OMIM 615923.

Allele frequency attached by ClinVar (database versions not stated): gnomAD exomes below 0.00001 and 0.00001.
gnomAD v4.1: 7 of 1,594,732 alleles (0.00044%); highest among the groups gnomAD compares: Non-Finnish European, 0.0006%; no homozygotes.

Submissions (3):

Blueprint Genetics
Classification: Likely pathogenic for NPR2-related disorders. Last evaluated: 2023-09-01. Review status: criteria provided, single submitter. Criteria: ACMG Guidelines, 2015. Collection method: clinical testing. Allele origin: germline. Affected: yes. Observed: 4 variant alleles.

Labcorp Genetics (formerly Invitae), Labcorp
Classification: Uncertain significance for Tall stature-scoliosis-macrodactyly of the great toes syndrome; Acromesomelic dysplasia 1, Maroteaux type. Last evaluated: 2023-08-30. Review status: criteria provided, single submitter. Criteria: Invitae Variant Classification Sherloc (09022015). Collection method: clinical testing. Allele origin: germline.
Comment: In summary, the available evidence is currently insufficient to determine the role of this variant in disease. Therefore, it has been classified as a Variant of Uncertain Significance. Advanced modeling of protein sequence and biophysical properties (such as structural, functional, and spatial information, amino acid conservation, physicochemical variation, residue mobility, and thermodynamic stability) performed at Invitae indicates that this missense variant is not expected to disrupt NPR2 protein function. ClinVar contains an entry for this variant (Variation ID: 873080). This missense change has been observed in individual(s) with acromesomelic dysplasia, Maroteaux type (PMID: 33288834). It has also been observed to segregate with disease in related individuals. The frequency data for this variant in the population databases is considered unreliable, as metrics indicate poor data quality at this position in the gnomAD database. This sequence change replaces glycine, which is neutral and non-polar, with arginine, which is basic and polar, at codon 221 of the NPR2 protein (p.Gly221Arg).

Hacettepe Genetic Diseases Diagnosis Center, Hacettepe University Faculty of Medicine
Classification: Uncertain significance for Acromesomelic dysplasia 1, Maroteaux type. Last evaluated: 2020-04-26. Review status: no assertion criteria provided. Collection method: clinical testing. Allele origin: germline. Inheritance: Autosomal recessive inheritance. Affected: yes. Observed: 2 homozygotes. Clinical features observed: Mesomelic short stature (HP:0008845), Disproportionate short-limb short stature (HP:0008873). Not counted in ClinVar's aggregate classification.
Comment: Sequencing analysis of NPR2 revealed a novel mutation NM_003995.4:c.661G>A (p.Gly221Arg) in two siblings with disproportionate short-limb short stature. The clinical and radiological features of the patients were consistent with the diagnosis of Acromesomelic dysplasia, Maroteaux type. This variant was neither found in ExAC nor 1000G and there is only one heterozygous individual in gnomAD data. This variant is classified as uncertain significance according to the ACMG Guidelines and predicted to be disease causing by in silico analysis such as MutationTaster.

Literature cited by the submitters: PubMed 33288834 (cited by Labcorp Genetics (formerly Invitae), Labcorp).